The following is an entry in ClinVar:

ClinVar aggregate classification (germline): Uncertain significance (1 of 4 stars; one submission).

Conditions:
Inborn genetic diseases. Identifiers: MedGen C0950123, MeSH D030342.

Submission:

Ambry Genetics
Classification: Uncertain significance for Inborn genetic diseases. Last evaluated: 2024-03-16. Review status: criteria provided, single submitter. Criteria: Ambry Variant Classification Scheme 2023. Collection method: clinical testing. Allele origin: germline.
Comment: The p.E768K variant (also known as c.2302G>A), located in coding exon 19 of the LRRK2 gene, results from a G to A substitution at nucleotide position 2302. The glutamic acid at codon 768 is replaced by lysine, an amino acid with similar properties. This amino acid position is conserved. In addition, this alteration is predicted to be deleterious by in silico analysis. Based on the available evidence, the clinical significance of this alteration remains unclear.

NM_198578.4(LRRK2):c.2302G>A (p.Glu768Lys)

Gene: LRRK2 (leucine rich repeat kinase 2; plus strand). Cytogenetic location: 12q12.
Variant type: single nucleotide variant.
Coding change: c.2302G>A on transcript NM_198578.4 (MANE Select); coding-DNA position 2302, G replaced by A.
Protein change: p.Glu768Lys; replaces glutamic acid 768 with lysine.
Molecular consequence: missense variant.
Genome position (GRCh38, 1-based): chr12:40,283,935, G>A. VCF-style: chr12-40283935-G-A. GRCh37 (hg19) VCF-style: chr12-40677737-G-A.
Other names: short protein forms E768K.
Identifiers: ClinVar variation 3291919 (VCV003291919.1).